The following is an entry in ClinVar:

NM_001330078.2(NRXN1):c.1400_1401inv (p.Gly467Val)

Gene: NRXN1 (neurexin 1; minus strand). Cytogenetic location: 2p16.3.
Variant type: Inversion.
Coding change: c.1400_1401inv on transcript NM_001330078.2 (MANE Select).
Protein change: p.Gly467Val; replaces glycine 467 with valine.
Molecular consequence: missense variant.
Genome position: GRCh38 VCF-style: chr2-50552945-TC-GA. GRCh37 (hg19) VCF-style: chr2-50780083-TC-GA.
Other names: p.G507V:GGA>GTC; c.1520_1521inv, p.Gly507Val (NM_001135659.3); c.1376_1377inv, p.Gly459Val (NM_001330077.2, NM_001330082.2, NM_001330095.2); c.1361_1362inv, p.Gly454Val (NM_001330083.2, NM_001330084.2); c.1400_1401inv, p.Gly467Val (NM_001330085.2, NM_001330086.2, NM_004801.6); c.1316_1317inv, p.Gly439Val (NM_001330087.2, NM_001330096.2); c.1346_1347inv, p.Gly449Val (NM_001330088.2); c.1397_1398inv, p.Gly466Val (NM_001330093.2); and 1 more; short protein forms G449V, G454V, G466V, G507V, G439V, G459V, G463V, G467V.
Identifiers: ClinVar variation 206271 (VCV000206271.6), ClinGen allele CA316189.

ClinVar aggregate classification (germline): Uncertain significance. Review status: criteria provided, multiple submitters, no conflicts (2 of 4 stars). 2 submissions from 2 submitters: Uncertain significance (2). Last evaluated 2024-10-13.

Conditions:
Pitt-Hopkins-like syndrome 2 (PTHSL2). Identifiers: Orphanet 221150, Orphanet 600663, MedGen C3280479, MONDO:0013690, OMIM 614325.

Submissions (2):

Labcorp Genetics (formerly Invitae), Labcorp
Classification: Uncertain significance for Pitt-Hopkins-like syndrome 2. Last evaluated: 2024-10-13. Review status: criteria provided, single submitter. Criteria: Invitae Variant Classification Sherloc (09022015). Collection method: clinical testing. Allele origin: germline.
Comment: This sequence change replaces glycine, which is neutral and non-polar, with valine, which is neutral and non-polar, at codon 507 of the NRXN1 protein (p.Gly507Val). Information on the frequency of this variant in the gnomAD database is not available, as this variant may be reported differently in the database. This variant has not been reported in the literature in individuals affected with NRXN1-related conditions. ClinVar contains an entry for this variant (Variation ID: 206271). An algorithm developed to predict the effect of missense changes on protein structure and function (PolyPhen-2) suggests that this variant is likely to be disruptive. In summary, the available evidence is currently insufficient to determine the role of this variant in disease. Therefore, it has been classified as a Variant of Uncertain Significance.

GeneDx
Classification: Uncertain significance. Last evaluated: 2012-08-23. Review status: criteria provided, single submitter. Criteria: GeneDx Variant Classification (06012015). Collection method: clinical testing. Allele origin: germline. Affected: yes.
Comment: The Gly507Val missense change has not been published as a mutation, nor has it been reported as a benign polymorphism to our knowledge. The NHLBI ESP Exome Variant Project has not identified Gly507Val in approximately 6,000 individuals of European or African American ethnicity, indicating that it is not a common benign variant in these populations. The amino acid substitution is conservative, as both Glycine and Valine are uncharged, non-polar amino acids. However, Gly507Val alters a highly conserved position in the linker region between the LNS2 and LNS3 domains of the protein, and multiple in silico algorithms predict it may be damaging to protein structure/function. Therefore, based on the currently available information, it is unclear whether Gly507Val is a disease-causing mutation or a rare benign variant. The variant is found in CHILD-EPI panel(s).